The following is an entry in ClinVar:

NM_015047.3(EMC1):c.1526C>T (p.Ala509Val)

Genes: EMC1 (ER membrane protein complex subunit 1; minus strand), EMC1-AS1 (EMC1 antisense RNA 1; plus strand). Cytogenetic location: 1p36.13.
Variant type: single nucleotide variant.
Coding change: c.1526C>T on transcript NM_015047.3 (MANE Select); coding-DNA position 1526, C replaced by T.
Protein change: p.Ala509Val; replaces alanine 509 with valine.
Molecular consequence: missense variant.
Genome position (GRCh38, 1-based): chr1:19,233,042, G>A on the plus strand (C>T on the coding strand, the complement: EMC1 is on the minus strand). VCF-style: chr1-19233042-G-A. GRCh37 (hg19) VCF-style: chr1-19559536-G-A.
Other names: c.1523C>T, p.Ala508Val (NM_001271427.2, NM_001271428.2); c.1460C>T, p.Ala487Val (NM_001271429.2); c.1535C>T, p.Ala512Val (NM_001375820.1); c.1532C>T, p.Ala511Val (NM_001375821.1); c.1526C>T (NM_015047.1); short protein forms A511V, A509V, A512V, A487V, A508V.
Identifiers: ClinVar variation 1482274 (VCV001482274.7), dbSNP rs2093535894, ClinGen allele CA338762789.

ClinVar aggregate classification (germline): Uncertain significance. Review status: criteria provided, multiple submitters, no conflicts (2 of 4 stars). 2 submissions from 2 submitters: Uncertain significance (2). Last evaluated 2025-10-13.

Conditions:
Inborn genetic diseases. Identifiers: MedGen C0950123, MeSH D030342.

Allele frequency attached by ClinVar (database versions not stated): gnomAD 0.00001; TOPMed 0.00001.
gnomAD v4.1: 2 of 1,614,026 alleles (0.00012%); highest among the groups gnomAD compares: Admixed American, 0.0017%; no homozygotes.

Submissions (2):

Labcorp Genetics (formerly Invitae), Labcorp
Classification: Uncertain significance. Last evaluated: 2025-10-13. Review status: criteria provided, single submitter. Criteria: Invitae Variant Classification Sherloc (09022015). Collection method: clinical testing. Allele origin: germline.
Comment: This sequence change replaces alanine, which is neutral and non-polar, with valine, which is neutral and non-polar, at codon 509 of the EMC1 protein (p.Ala509Val). This variant is not present in population databases (gnomAD no frequency). This variant has not been reported in the literature in individuals affected with EMC1-related conditions. ClinVar contains an entry for this variant (Variation ID: 1482274). Invitae Evidence Modeling of protein sequence and biophysical properties (such as structural, functional, and spatial information, amino acid conservation, physicochemical variation, residue mobility, and thermodynamic stability) has been performed for this missense variant. However, the output from this modeling did not meet the statistical confidence thresholds required to predict the impact of this variant on EMC1 protein function. In summary, the available evidence is currently insufficient to determine the role of this variant in disease. Therefore, it has been classified as a Variant of Uncertain Significance.

Ambry Genetics
Classification: Uncertain significance for Inborn genetic diseases. Last evaluated: 2024-07-17. Review status: criteria provided, single submitter. Criteria: Ambry Variant Classification Scheme 2023. Collection method: clinical testing. Allele origin: germline.